The following is an entry in ClinVar:

ClinVar aggregate classification (germline): Uncertain significance (1 of 4 stars; one submission).

Conditions:
Autosomal recessive limb-girdle muscular dystrophy type 2A (LGMDR1). Also called: Limb-girdle muscular dystrophy, type 2A; Calpainopathy; LEYDEN-MOEBIUS MUSCULAR DYSTROPHY; MUSCULAR DYSTROPHY, PELVOFEMORAL; Muscular dystrophy, limb-girdle, type 2A, Amish. Identifiers: Orphanet 267, MedGen C1869123, MONDO:0009675, OMIM 253600. Disease mechanism: loss of function.

Submission:

Labcorp Genetics (formerly Invitae), Labcorp
Classification: Uncertain significance for Autosomal recessive limb-girdle muscular dystrophy type 2A. Last evaluated: 2024-05-29. Review status: criteria provided, single submitter. Criteria: Invitae Variant Classification Sherloc (09022015). Collection method: clinical testing. Allele origin: germline.
Comment: This sequence change replaces alanine, which is neutral and non-polar, with glycine, which is neutral and non-polar, at codon 210 of the CAPN3 protein (p.Ala210Gly). This variant is not present in population databases (gnomAD no frequency). This variant has not been reported in the literature in individuals affected with CAPN3-related conditions. ClinVar contains an entry for this variant (Variation ID: 960292). Advanced modeling of protein sequence and biophysical properties (such as structural, functional, and spatial information, amino acid conservation, physicochemical variation, residue mobility, and thermodynamic stability) performed at Invitae indicates that this missense variant is expected to disrupt CAPN3 protein function with a positive predictive value of 80%. Algorithms developed to predict the effect of sequence changes on RNA splicing suggest that this variant may disrupt the consensus splice site. In summary, the available evidence is currently insufficient to determine the role of this variant in disease. Therefore, it has been classified as a Variant of Uncertain Significance.

NM_000070.3(CAPN3):c.629C>G (p.Ala210Gly)

Gene: CAPN3 (calpain 3; plus strand). Cytogenetic location: 15q15.1.
Variant type: single nucleotide variant.
Coding change: c.629C>G on transcript NM_000070.3 (MANE Select); coding-DNA position 629, C replaced by G.
Protein change: p.Ala210Gly; replaces alanine 210 with glycine.
Molecular consequence: missense variant.
Genome position (GRCh38, 1-based): chr15:42,387,883, C>G. VCF-style: chr15-42387883-C-G. GRCh37 (hg19) VCF-style: chr15-42680081-C-G.
Other names: c.629C>G, p.Ala210Gly (NM_024344.2, NM_173087.2); short protein forms A210G.
Identifiers: ClinVar variation 960292 (VCV000960292.10), dbSNP rs2053446874, ClinGen allele CA391998024.